The following is an entry in ClinVar:

ClinVar aggregate classification (germline): Uncertain significance (1 of 4 stars; one submission).

Conditions:
Tuberous sclerosis 2 (TSC2). Identifiers: Orphanet 805, MedGen C1860707, MONDO:0013199, OMIM 613254.

Submission:

Labcorp Genetics (formerly Invitae), Labcorp
Classification: Uncertain significance for Tuberous sclerosis 2. Last evaluated: 2024-01-08. Review status: criteria provided, single submitter. Criteria: Invitae Variant Classification Sherloc (09022015). Collection method: clinical testing. Allele origin: germline.
Comment: This sequence change replaces phenylalanine, which is neutral and non-polar, with serine, which is neutral and polar, at codon 1501 of the TSC2 protein (p.Phe1501Ser). This variant is not present in population databases (gnomAD no frequency). This missense change has been observed in individual(s) with clinical features of tuberous sclerosis complex (PMID: 24271014; Invitae). ClinVar contains an entry for this variant (Variation ID: 947515). Advanced modeling of protein sequence and biophysical properties (such as structural, functional, and spatial information, amino acid conservation, physicochemical variation, residue mobility, and thermodynamic stability) has been performed at Invitae for this missense variant, however the output from this modeling did not meet the statistical confidence thresholds required to predict the impact of this variant on TSC2 protein function. In summary, the available evidence is currently insufficient to determine the role of this variant in disease. Therefore, it has been classified as a Variant of Uncertain Significance.

Literature cited by the submitters: PubMed 24271014.

NM_000548.5(TSC2):c.4502T>C (p.Phe1501Ser)

Gene: TSC2 (TSC complex subunit 2; plus strand). Cytogenetic location: 16p13.3.
Variant type: single nucleotide variant.
Coding change: c.4502T>C on transcript NM_000548.5 (MANE Select); coding-DNA position 4502, T replaced by C.
Protein change: p.Phe1501Ser; replaces phenylalanine 1501 with serine.
Molecular consequence: missense variant.
Genome position (GRCh38, 1-based): chr16:2,084,959, T>C. VCF-style: chr16-2084959-T-C. GRCh37 (hg19) VCF-style: chr16-2134960-T-C.
Other names: c.4301T>C, p.Phe1434Ser (NM_001077183.3); c.4433T>C, p.Phe1478Ser (NM_001114382.3); c.4193T>C, p.Phe1398Ser (NM_001318827.2); c.4157T>C, p.Phe1386Ser (NM_001318829.2); c.3770T>C, p.Phe1257Ser (NM_001318831.2); c.4334T>C, p.Phe1445Ser (NM_001318832.2); c.4304T>C, p.Phe1435Ser (NM_001363528.2); c.4370T>C, p.Phe1457Ser (NM_001370404.1); and 1 more; short protein forms F1386S, F1434S, F1435S, F1445S, F1457S, F1501S, F1478S, F1257S.
Identifiers: ClinVar variation 947515 (VCV000947515.9), dbSNP rs2090578878, ClinGen allele CA394302714.